The following is an entry in ClinVar:

NM_006017.3(PROM1):c.1455-1G>A

Gene: PROM1 (prominin 1; minus strand). Cytogenetic location: 4p15.32.
Variant type: single nucleotide variant.
Coding change: c.1455-1G>A on transcript NM_006017.3 (MANE Select); the canonical splice acceptor site of the intron before coding-DNA position 1455, G replaced by A.
Molecular consequence: splice acceptor variant.
Genome position (GRCh38, 1-based): chr4:16,000,620, C>T on the plus strand (G>A on the coding strand, the complement: PROM1 is on the minus strand). VCF-style: chr4-16000620-C-T. GRCh37 (hg19) VCF-style: chr4-16002243-C-T.
Other names: c.1428-1G>A (NM_001145848.2, NM_001145852.2, NM_001145847.2 and 4 more transcripts); c.1455-1G>A (NM_001145850.2, NM_001145849.2).
Identifiers: ClinVar variation 938226 (VCV000938226.8), dbSNP rs1723543163, ClinGen allele CA356433487.

ClinVar aggregate classification (germline): Likely pathogenic (1 of 4 stars; one submission).

Allele frequency attached by ClinVar (database versions not stated): gnomAD exomes below 0.00001.
gnomAD v4.1: 1 of 1,549,038 alleles (0.000065%); highest among the groups gnomAD compares: Non-Finnish European, 0.000088%; no homozygotes.

Submission:

Labcorp Genetics (formerly Invitae), Labcorp
Classification: Likely pathogenic. Last evaluated: 2021-12-19. Review status: criteria provided, single submitter. Criteria: Invitae Variant Classification Sherloc (09022015). Collection method: clinical testing. Allele origin: germline.
Comment: In summary, the currently available evidence indicates that the variant is pathogenic, but additional data are needed to prove that conclusively. Therefore, this variant has been classified as Likely Pathogenic. Algorithms developed to predict the effect of sequence changes on RNA splicing suggest that this variant may disrupt the consensus splice site. ClinVar contains an entry for this variant (Variation ID: 938226). This variant has not been reported in the literature in individuals affected with PROM1-related conditions. This variant is not present in population databases (gnomAD no frequency). This sequence change affects an acceptor splice site in intron 12 of the PROM1 gene. It is expected to disrupt RNA splicing. Variants that disrupt the donor or acceptor splice site typically lead to a loss of protein function (PMID: 16199547), and loss-of-function variants in PROM1 are known to be pathogenic (PMID: 17605048, 19718270, 24154662, 25474345).

Literature cited by the submitters: PubMed 16199547; PubMed 17605048; PubMed 19718270; PubMed 24154662; PubMed 25474345.